The following is an entry in ClinVar:

ClinVar aggregate classification (germline): Uncertain significance (1 of 4 stars; one submission).

Conditions:
Hereditary cancer-predisposing syndrome. Also called: Tumor predisposition; Hereditary Cancer Syndrome; Hereditary neoplastic syndrome; Neoplastic Syndromes, Hereditary. Identifiers: Orphanet 140162, MedGen C0027672, MeSH D009386, MONDO:0015356.

Submission:

Ambry Genetics
Classification: Uncertain significance for Hereditary cancer-predisposing syndrome. Last evaluated: 2024-05-29. Review status: criteria provided, single submitter. Criteria: Ambry Variant Classification Scheme 2023. Collection method: clinical testing. Allele origin: germline.
Comment: The p.V717L variant (also known as c.2149G>T), located in coding exon 12 of the PMS2 gene, results from a G to T substitution at nucleotide position 2149. The valine at codon 717 is replaced by leucine, an amino acid with highly similar properties. This amino acid position is not well conserved in available vertebrate species. In addition, this alteration is predicted to be tolerated by in silico analysis. Based on the available evidence, the clinical significance of this variant remains unclear.

NM_000535.7(PMS2):c.2149G>T (p.Val717Leu)

Gene: PMS2 (PMS1 homolog 2, mismatch repair system component; minus strand). Cytogenetic location: 7p22.1.
Variant type: single nucleotide variant.
Coding change: c.2149G>T on transcript NM_000535.7 (MANE Select); coding-DNA position 2149, G replaced by T.
Protein change: p.Val717Leu; replaces valine 717 with leucine.
Molecular consequence: missense variant. On other transcripts: non-coding transcript variant (1), intron variant (4).
Genome position (GRCh38, 1-based): chr7:5,982,849, C>A on the plus strand (G>T on the coding strand, the complement: PMS2 is on the minus strand). VCF-style: chr7-5982849-C-A. GRCh37 (hg19) VCF-style: chr7-6022480-C-A.
Other names: c.1744G>T, p.Val582Leu (NM_001322003.2, NM_001322004.2, NM_001322005.2 and 14 more transcripts); c.1993G>T, p.Val665Leu (NM_001322006.2, NM_001406870.1); c.1831G>T, p.Val611Leu (NM_001322007.2, NM_001322008.2, NM_001406876.1 and 1 more transcripts); c.1588G>T, p.Val530Leu (NM_001322010.2, NM_001406906.1, NM_001406907.1); c.1216G>T, p.Val406Leu (NM_001322011.2, NM_001322012.2); c.1981G>T, p.Val661Leu (NM_001406874.1); c.1840G>T, p.Val614Leu (NM_001406875.1, NM_001406877.1, NM_001406878.1 and 5 more transcripts); c.1684G>T, p.Val562Leu (NM_001406900.1); and 16 more; short protein forms V530L, V546L, V582L, V605L, V661L, V681L, V779L, V526L.
Identifiers: ClinVar variation 3308112 (VCV003308112.1).
Genomic context (GRCh38, chr7:5,982,849, plus strand): 5'-GGGGGAGTCTGGGAATGAACACTAAACACACTCACGCTATGAGCCTCTGCCCCTGGAGCA[C>A]GGTGTGCTGCTGCAGCATCTCGAAGTTATACTTCTCGTCCGTGGCATGCTGGTCCACTAT-3'
Protein context (NP_000526.2, residues 707-727): YNFEMLQQHT[Val717Leu]LQGQRLIAPQ